The following continues an entry in ClinVar:

NM_004004.6(GJB2):c.313_326del (p.Lys105fs)

Gene: GJB2. ClinVar aggregate classification (germline): Pathogenic/Likely pathogenic. Pathogenic (39); Likely pathogenic (1).

Submissions 41 to 44 of 44:

Clinical Genomics Laboratory, Stanford Medicine
Classification: Pathogenic for Autosomal recessive nonsyndromic hearing loss 1A. Last evaluated: 2021-06-24. Review status: no assertion criteria provided. Collection method: clinical testing. Allele origin: germline. Inheritance: Autosomal recessive inheritance. Affected: yes. Observed: 1 compound heterozygote. Not counted in ClinVar's aggregate classification.
Comment: The p.Lys105Glyfs*5 variant in the GJB2 gene is a well reported cause of nonsyndromic hearing loss. This variant was determined to be in trans with other pathogenic variants (p.Gly12Valfs*2, p.Met34Thr), consistent with autosomal recessive inheritance (Marlin et al., 2005; Mikstiene et al., 2016). The presence of this variant with an established disease-causing variant on the opposite allele increases suspicion for its pathogenicity. The p.Lys105Glyfs*5 variant has also been identified in 9/30,614 South Asian chromosomes by the Genome Aggregation Database. Although this variant has been seen in the general population, its frequency is low enough to be consistent with a recessive carrier frequency. This variant results in a 14 bp deletion, which causes a shift in the protein reading frame, leading to a premature termination codon 5 amino acids downstream. Loss of function is an established mechanism of disease for the GJB2 gene. These data were assessed using the ACMG/AMP variant interpretation guidelines. In summary, there is sufficient evidence to classify the p.Lys105Glyfs*5 variant as pathogenic for autosomal recessive nonsyndromic hearing loss based on the information above. [ACMG evidence codes used: PVS1; PM3_verystrong; PM2_supporting]

Clinical Molecular Genetics Laboratory, Johns Hopkins All Children's Hospital
Classification: Pathogenic for Hearing loss. Last evaluated: 2014-11-13. Review status: no assertion criteria provided. Collection method: clinical testing. Allele origin: germline. Affected: yes. Not counted in ClinVar's aggregate classification.

OMIM
Classification: Pathogenic for DEAFNESS, AUTOSOMAL RECESSIVE 1A. Last evaluated: 2004-08-01. Review status: no assertion criteria provided. Collection method: literature only. Allele origin: germline. Not counted in ClinVar's aggregate classification.

Dubai Health Genomic Medicine Center, Dubai Health
Classification: Pathogenic for Autosomal recessive nonsyndromic hearing loss 1A. Last evaluated: 2021-01-25. Review status: flagged submission. Criteria: ACMG Guidelines, 2015. Collection method: clinical testing. Allele origin: germline. Affected: yes. Not counted in ClinVar's aggregate classification.
Comment: The p.Lys105fs variant in GJB2 is a well-established pathogenic variant that has been reported in the homozygous or compound heterozygous states with other known pathogenic variants in several individuals with hearing loss (PMIDs: 9529365 15967879 26896187). It has also been identified in 27/128614 (0.02% 0 homozygotes) European Non-Finnish alleles in the Genome Aggregation Database (gnomAD). This variant is specifically high in the Lithuanian population where its carrier frequency in this population is 2% accounting for 28% of all pathogenic GJB2 variants in hearing loss patients of this population (PMID: 26896187). This frameshift variant is predicted to alter the protein's amino acid sequence beginning at position 105 and lead to a premature termination codon 5 amino acids downstream. This variant is classified as pathogenic by several clinical laboratories (ClinVar ID: 44737). In summary this variant meets our criteria for pathogenicity.
ClinVar note: Reason: This record appears to be redundant with a more recent record from the same submitter.
ClinVar note: Notes: SCV001984287 appears to be redundant with SCV002818209.

Literature cited by the submitters: PubMed 15070423 (cited by Ambry Genetics); PubMed 15967879 (cited by 6 submitters); PubMed 24158611 (cited by 3 submitters); PubMed 10218527 (cited by 4 submitters); PubMed 22567152 (cited by 3 submitters); PubMed 26896187 (cited by 7 submitters); PubMed 27224056 (cited by 6 submitters); PubMed 10874298 (cited by Labcorp Genetics (formerly Invitae), Labcorp); PubMed 10982180 (cited by Labcorp Genetics (formerly Invitae), Labcorp and INGEBI, INGEBI / CONICET); PubMed 15855033 (cited by Labcorp Genetics (formerly Invitae), Labcorp); PubMed 25708704 (cited by Labcorp Genetics (formerly Invitae), Labcorp); PubMed 22695344 (cited by 3 submitters); PubMed 14985372 (cited by Women's Health and Genetics/Laboratory Corporation of America, LabCorp and Athena Diagnostics); PubMed 12112666 (cited by 4 submitters); PubMed 12172394 (cited by Women's Health and Genetics/Laboratory Corporation of America, LabCorp and Athena Diagnostics); PubMed 12792423 (cited by Victorian Clinical Genetics Services, Murdoch Childrens Research Institute); PubMed 28428247 (cited by Victorian Clinical Genetics Services, Murdoch Childrens Research Institute); PubMed 31160754 (cited by Victorian Clinical Genetics Services, Murdoch Childrens Research Institute); PubMed 36579563 (cited by Victorian Clinical Genetics Services, Murdoch Childrens Research Institute); PubMed 16379542 (cited by Athena Diagnostics and Laboratory for Molecular Medicine, Mass General Brigham Personalized Medicine); PubMed 11551103 (cited by 3 submitters); PubMed 15253766 (cited by 3 submitters); PubMed 15146474 (cited by Athena Diagnostics and Laboratory for Molecular Medicine, Mass General Brigham Personalized Medicine).